The following is an entry in ClinVar:

NM_001272046.2(VWA2):c.2044C>T (p.Arg682Trp)

Genes: AFAP1L2 (actin filament associated protein 1 like 2; minus strand), VWA2 (von Willebrand factor A domain containing 2; plus strand). Cytogenetic location: 10q25.3.
Variant type: single nucleotide variant.
Coding change: c.2044C>T on transcript NM_001272046.2 (MANE Select); coding-DNA position 2044, C replaced by T.
Protein change: p.Arg682Trp; replaces arginine 682 with tryptophan.
Molecular consequence: missense variant.
Genome position (GRCh38, 1-based): chr10:114,289,411, C>T. VCF-style: chr10-114289411-C-T. GRCh37 (hg19) VCF-style: chr10-116049170-C-T.
Other names: c.2044C>T, p.Arg682Trp (NM_001320804.1); short protein forms R682W.
Identifiers: ClinVar variation 774564 (VCV000774564.6), dbSNP rs74157580, ClinGen allele CA5700849.

ClinVar aggregate classification (germline): Benign. Review status: criteria provided, multiple submitters, no conflicts (2 of 4 stars). 3 submissions from 3 submitters: Benign (2). 1 of the submissions does not count toward it. Last evaluated 2018-06-21.

Conditions:
VWA2-related disorder. Also called: VWA2-related condition.

Allele frequency attached by ClinVar (database versions not stated): gnomAD exomes 0.00050 and 0.00090; ExAC 0.00109; gnomAD 0.00291 and 0.00311; TOPMed 0.00339; 1000 Genomes Project 30x 0.00375; 1000 Genomes Project 0.00379; ESP Exome Variant Server 0.00384.
gnomAD v4.1: 1,190 of 1,611,060 alleles (0.074%); highest among the groups gnomAD compares: African/African-American, 1%; 3 homozygotes.

Submissions (3):

Labcorp Genetics (formerly Invitae), Labcorp
Classification: Benign. Last evaluated: 2018-06-21. Review status: criteria provided, single submitter. Criteria: Invitae Variant Classification Sherloc (09022015). Collection method: clinical testing. Allele origin: germline.

Breakthrough Genomics
Classification: Benign. Review status: criteria provided, single submitter. Criteria: ACMG Guidelines, 2015. Collection method: not provided. Allele origin: germline. Inheritance: Unknown mechanism. Affected: yes.

PreventionGenetics, part of Exact Sciences
Classification: Benign for VWA2-related condition. Last evaluated: 2020-01-02. Review status: no assertion criteria provided. Collection method: clinical testing. Allele origin: germline. Not counted in ClinVar's aggregate classification.
Comment: This variant is classified as benign based on ACMG/AMP sequence variant interpretation guidelines (Richards et al. 2015 PMID: 25741868, with internal and published modifications).